The following is an entry in ClinVar:

ClinVar aggregate classification (germline): Pathogenic/Likely pathogenic. Review status: criteria provided, multiple submitters, no conflicts (2 of 4 stars). 3 submissions from 3 submitters: Pathogenic (1); Likely pathogenic (2). Last evaluated 2025-06-01.

Conditions:
Hypogonadotropic hypogonadism 2 with or without anosmia (HH2). Also called: FGFR1-Related GnRH Deficiency (Kallmann Syndrome 2); HYPOGONADOTROPIC HYPOGONADISM 2 WITHOUT ANOSMIA; HYPOGONADOTROPIC HYPOGONADISM 2 WITH OR WITHOUT ANOSMIA, SUSCEPTIBILITY TO; HYPOGONADOTROPIC HYPOGONADISM 2 WITHOUT ANOSMIA, SUSCEPTIBILITY TO. Identifiers: Orphanet 478, MedGen C1563720, MONDO:0007844, OMIM 147950. Disease mechanism: loss of function.
Pfeiffer syndrome (ACS5). Also called: ACS V. Identifiers: Orphanet 710, MedGen C0220658, MONDO:0007043, OMIM 101600.

Submissions (3):

Labcorp Genetics (formerly Invitae), Labcorp
Classification: Pathogenic for Pfeiffer syndrome; Hypogonadotropic hypogonadism 2 with or without anosmia. Last evaluated: 2025-06-01. Review status: criteria provided, single submitter. Criteria: Invitae Variant Classification Sherloc (09022015). Collection method: clinical testing. Allele origin: germline.
Comment: This sequence change replaces glycine, which is neutral and non-polar, with serine, which is neutral and polar, at codon 97 of the FGFR1 protein (p.Gly97Ser). This variant is not present in population databases (gnomAD no frequency). This missense change has been observed in individual(s) with Kallmann syndrome (PMID: 18985070, 23154428, 31200363). In at least one individual the variant was observed to be de novo. ClinVar contains an entry for this variant (Variation ID: 2505445). Invitae Evidence Modeling of protein sequence and biophysical properties (such as structural, functional, and spatial information, amino acid conservation, physicochemical variation, residue mobility, and thermodynamic stability) has been performed for this missense variant. However, the output from this modeling did not meet the statistical confidence thresholds required to predict the impact of this variant on FGFR1 protein function. This variant disrupts the p.Gly97 amino acid residue in FGFR1. Other variant(s) that disrupt this residue have been observed in individuals with FGFR1-related conditions (PMID: 12627230, 36531499), which suggests that this may be a clinically significant amino acid residue. For these reasons, this variant has been classified as Pathogenic.

3billion
Classification: Likely pathogenic for Hypogonadotropic hypogonadism 2 with or without anosmia. Last evaluated: 2024-03-11. Review status: criteria provided, single submitter. Criteria: ACMG Guidelines, 2015. Collection method: clinical testing. Allele origin: germline. Affected: yes.
Comment: The variant is not observed in the gnomAD v2.1.1 dataset. Predicted Consequence/Location: Missense variant In silico tool predictions suggest damaging effect of the variant on gene or gene product [REVEL: 0.89 (>=0.6, sensitivity 0.68 and specificity 0.92); 3Cnet: 0.20 (>=0.6, sensitivity 0.72 and precision 0.9)]. Same nucleotide change resulting in same amino acid change has been previously reported to be associated with FGFR1 related disorder (ClinVar ID: VCV002505445 /PMID: 18985070). The variant has been observed in multiple (>3) similarly affected unrelated individuals (PMID: 23154428, 24732674, 28087897). Different missense changes at the same codon (p.Gly97Arg, p.Gly97Asp, p.Gly97Val) have been reported to be associated with FGFR1 related disorder (ClinVar ID: VCV000974816 /PMID: 12627230, 30098700, 36531499). Therefore, this variant is classified as Likely pathogenic according to the recommendation of ACMG/AMP guideline.

Reproductive Endocrine Unit, Massachusetts General Hospital
Classification: Likely pathogenic for Hypogonadotropic hypogonadism 2 with or without anosmia. Last evaluated: 2023-05-04. Review status: criteria provided, single submitter. Criteria: ACMG Guidelines, 2015. Collection method: research. Allele origin: unknown. Affected: yes. Observed: 1 variant allele.

Literature cited by the submitters: PubMed 18985070 (cited by Labcorp Genetics (formerly Invitae), Labcorp and 3billion); PubMed 23154428 (cited by Labcorp Genetics (formerly Invitae), Labcorp and 3billion); PubMed 31200363 (cited by Labcorp Genetics (formerly Invitae), Labcorp); PubMed 12627230 (cited by Labcorp Genetics (formerly Invitae), Labcorp and 3billion); PubMed 36531499 (cited by Labcorp Genetics (formerly Invitae), Labcorp); PubMed 28087897 (cited by 3billion); PubMed 24732674 (cited by 3billion).

NM_023110.3(FGFR1):c.289G>A (p.Gly97Ser)

Gene: FGFR1 (fibroblast growth factor receptor 1; minus strand). Cytogenetic location: 8p11.23.
Variant type: single nucleotide variant.
Coding change: c.289G>A on transcript NM_023110.3 (MANE Select); coding-DNA position 289, G replaced by A.
Protein change: p.Gly97Ser; replaces glycine 97 with serine.
Molecular consequence: missense variant. On other transcripts: intron variant (5).
Genome position (GRCh38, 1-based): chr8:38,429,751, C>T on the plus strand (G>A on the coding strand, the complement: FGFR1 is on the minus strand). VCF-style: chr8-38429751-C-T. GRCh37 (hg19) VCF-style: chr8-38287269-C-T.
Other names: c.289G>A, p.Gly97Ser (NM_000604.2, NM_001174063.2, NM_001174065.2 and 4 more transcripts); c.265G>A, p.Gly89Ser (NM_001174064.2); c.388G>A, p.Gly130Ser (NM_001174067.2); c.92-1316G>A (NM_001354368.2, NM_001354370.2, NM_023106.3 and 2 more transcripts); short protein forms G130S, G89S, G97S.
Identifiers: ClinVar variation 2505445 (VCV002505445.3), dbSNP rs1260404537, ClinGen allele CA370736272.